The following is an entry in ClinVar:

ClinVar aggregate classification (germline): Uncertain significance (1 of 4 stars; one submission).

Submission:

Labcorp Genetics (formerly Invitae), Labcorp
Classification: Uncertain significance. Last evaluated: 2024-03-11. Review status: criteria provided, single submitter. Criteria: Invitae Variant Classification Sherloc (09022015). Collection method: clinical testing. Allele origin: germline.
Comment: This sequence change falls in intron 13 of the OCA2 gene. It does not directly change the encoded amino acid sequence of the OCA2 protein. It affects a nucleotide within the consensus splice site. This variant is not present in population databases (gnomAD no frequency). This variant has not been reported in the literature in individuals affected with OCA2-related conditions. ClinVar contains an entry for this variant (Variation ID: 1356367). Variants that disrupt the consensus splice site are a relatively common cause of aberrant splicing (PMID: 17576681, 9536098). Algorithms developed to predict the effect of sequence changes on RNA splicing suggest that this variant is not likely to affect RNA splicing. In summary, the available evidence is currently insufficient to determine the role of this variant in disease. Therefore, it has been classified as a Variant of Uncertain Significance.

Literature cited by the submitters: PubMed 17576681; PubMed 9536098.

NM_000275.3(OCA2):c.1364+6C>A

Gene: OCA2 (OCA2 melanosomal transmembrane protein; minus strand). Cytogenetic location: 15q13.1.
Variant type: single nucleotide variant.
Coding change: c.1364+6C>A on transcript NM_000275.3 (MANE Select); 6 bases into the intron after coding-DNA position 1364, C replaced by A.
Molecular consequence: intron variant.
Genome position (GRCh38, 1-based): chr15:27,985,058, G>T on the plus strand (C>A on the coding strand, the complement: OCA2 is on the minus strand). VCF-style: chr15-27985058-G-T. GRCh37 (hg19) VCF-style: chr15-28230204-G-T.
Other names: c.1292+6C>A (NM_001300984.2).
Identifiers: ClinVar variation 1356367 (VCV001356367.5), dbSNP rs2140978517, ClinGen allele CA2573150575.